The following is an entry in ClinVar:

ClinVar aggregate classification (germline): Conflicting classifications of pathogenicity. Review status: criteria provided, conflicting classifications (1 of 4 stars). 4 submissions from 4 submitters: Uncertain significance (1); Likely benign (2). 1 of the submissions does not count toward it. Last evaluated 2025-06-05.

Conditions:
LRBA-related disorder. Also called: LRBA-related condition.
Inborn genetic diseases. Identifiers: MedGen C0950123, MeSH D030342.
Combined immunodeficiency due to LRBA deficiency. Also called: Common variable immunodeficiency 8, with autoimmunity. Identifiers: Orphanet 445018, MedGen C3553512, MONDO:0013863, OMIM 614700.

Allele frequency attached by ClinVar (database versions not stated): ExAC 0.00032; gnomAD exomes 0.00033; gnomAD 0.00001 and 0.00008; TOPMed 0.00002; ESP Exome Variant Server 0.00008; 1000 Genomes Project 30x 0.00016; 1000 Genomes Project 0.00020.
gnomAD v4.1: 262 of 1,614,030 alleles (0.016%); highest among the groups gnomAD compares: South Asian, 0.21%; 2 homozygotes.

Submissions (4):

Labcorp Genetics (formerly Invitae), Labcorp
Classification: Likely benign for Combined immunodeficiency due to LRBA deficiency. Last evaluated: 2025-06-05. Review status: criteria provided, single submitter. Criteria: Invitae Variant Classification Sherloc (09022015). Collection method: clinical testing. Allele origin: germline.

Ambry Genetics
Classification: Uncertain significance for Inborn genetic diseases. Last evaluated: 2024-07-27. Review status: criteria provided, single submitter. Criteria: Ambry Variant Classification Scheme 2023. Collection method: clinical testing. Allele origin: germline.

CeGaT Center for Human Genetics Tuebingen
Classification: Likely benign. Last evaluated: 2022-02-01. Review status: criteria provided, single submitter. Criteria: CeGaT Center For Human Genetics Tuebingen Variant Classification Criteria Version 2. Collection method: clinical testing. Allele origin: germline. Affected: yes. Observed: 1 variant allele.

PreventionGenetics, part of Exact Sciences
Classification: Likely benign for LRBA-related condition. Last evaluated: 2023-04-25. Review status: no assertion criteria provided. Collection method: clinical testing. Allele origin: germline. Not counted in ClinVar's aggregate classification.
Comment: This variant is classified as likely benign based on ACMG/AMP sequence variant interpretation guidelines (Richards et al. 2015 PMID: 25741868, with internal and published modifications).

NM_001364905.1(LRBA):c.8200C>T (p.Leu2734Phe)

Gene: LRBA (LPS responsive beige-like anchor protein; minus strand). Cytogenetic location: 4q31.3.
Variant type: single nucleotide variant.
Coding change: c.8200C>T on transcript NM_001364905.1 (MANE Select); coding-DNA position 8200, C replaced by T.
Protein change: p.Leu2734Phe; replaces leucine 2734 with phenylalanine.
Molecular consequence: missense variant.
Genome position (GRCh38, 1-based): chr4:150,282,566, G>A on the plus strand (C>T on the coding strand, the complement: LRBA is on the minus strand). VCF-style: chr4-150282566-G-A. GRCh37 (hg19) VCF-style: chr4-151203718-G-A.
Other names: c.8197C>T, p.Leu2733Phe (NM_001199282.3); c.8215C>T, p.Leu2739Phe (NM_001367550.1); c.8233C>T, p.Leu2745Phe (NM_006726.5); short protein forms L2734F, L2745F, L2733F, L2739F.
Identifiers: ClinVar variation 751417 (VCV000751417.44), dbSNP rs372949000, ClinGen allele CA3101420.
Genomic context (GRCh38, chr4:150,282,566, plus strand): 5'-TACAGAAGAGGCCGTTTTCATAGAATATGACACAATGACCCTCTCTTGAAGCCTGAATGA[G>A]TTTTGGTTTCAGGCAGTTTTCAGGACCCTCCAAGGTCCTCAACAAGTCTCCATTCATGGA-3'
Protein context (NP_001351834.1, residues 2724-2744): EGPENCLKPK[Leu2734Phe]IQASREGHCV